The following is an entry in ClinVar:

ClinVar aggregate classification (germline): Uncertain significance. Review status: criteria provided, multiple submitters, no conflicts (2 of 4 stars). 3 submissions from 3 submitters: Uncertain significance (3). Last evaluated 2024-09-12.

Conditions:
Multiple epiphyseal dysplasia, Al-Gazali type. Also called: Macrocephaly with multiple epiphyseal dysplasia and distinctive facies. Identifiers: Orphanet 166024, MedGen C1846722, MONDO:0011778, OMIM 607131.
Hydrolethalus syndrome 2 (HLS2). Identifiers: Orphanet 2189, MedGen C3279899, MONDO:0013585, OMIM 614120.
Acrocallosal syndrome (ACLS). Also called: HALLUX DUPLICATION, POSTAXIAL POLYDACTYLY, AND ABSENCE OF CORPUS CALLOSUM; Schinzel syndrome 1; Absence of corpus callosum with unusual facial appearance, mental deficiency, duplication of the halluces and polydactyly. Identifiers: Orphanet 36, MedGen C0796147, MONDO:0008708, OMIM 200990.
Inborn genetic diseases. Identifiers: MedGen C0950123, MeSH D030342.

Allele frequency attached by ClinVar (database versions not stated): TOPMed 0.00001; gnomAD exomes 0.00005.
gnomAD v4.1: 51 of 1,160,986 alleles (0.0044%); highest among the groups gnomAD compares: Non-Finnish European, 0.0054%; no homozygotes.

Submissions (3):

Ambry Genetics
Classification: Uncertain significance for Inborn genetic diseases. Last evaluated: 2024-09-12. Review status: criteria provided, single submitter. Criteria: Ambry Variant Classification Scheme 2023. Collection method: clinical testing. Allele origin: germline.

Fulgent Genetics
Classification: Uncertain significance for Acrocallosal syndrome; Multiple epiphyseal dysplasia, Al-Gazali type; Hydrolethalus syndrome 2. Last evaluated: 2024-05-22. Review status: criteria provided, single submitter. Criteria: ACMG Guidelines, 2015. Collection method: clinical testing. Allele origin: germline.

Labcorp Genetics (formerly Invitae), Labcorp
Classification: Uncertain significance for Acrocallosal syndrome. Last evaluated: 2022-03-10. Review status: criteria provided, single submitter. Criteria: Invitae Variant Classification Sherloc (09022015). Collection method: clinical testing. Allele origin: germline.
Comment: This sequence change replaces alanine, which is neutral and non-polar, with valine, which is neutral and non-polar, at codon 435 of the KIF7 protein (p.Ala435Val). This variant is not present in population databases (gnomAD no frequency). This variant has not been reported in the literature in individuals affected with KIF7-related conditions. Algorithms developed to predict the effect of missense changes on protein structure and function (SIFT, PolyPhen-2, Align-GVGD) all suggest that this variant is likely to be tolerated. In summary, the available evidence is currently insufficient to determine the role of this variant in disease. Therefore, it has been classified as a Variant of Uncertain Significance.

NM_198525.3(KIF7):c.1304C>T (p.Ala435Val)

Gene: KIF7 (kinesin family member 7; minus strand). Cytogenetic location: 15q26.1.
Variant type: single nucleotide variant.
Coding change: c.1304C>T on transcript NM_198525.3 (MANE Select); coding-DNA position 1304, C replaced by T.
Protein change: p.Ala435Val; replaces alanine 435 with valine.
Molecular consequence: missense variant.
Genome position (GRCh38, 1-based): chr15:89,648,394, G>A on the plus strand (C>T on the coding strand, the complement: KIF7 is on the minus strand). VCF-style: chr15-89648394-G-A. GRCh37 (hg19) VCF-style: chr15-90191625-G-A.
Other names: c.1304C>T (NM_198525.2); short protein forms A435V.
Identifiers: ClinVar variation 1442939 (VCV001442939.5), dbSNP rs976073468, ClinGen allele CA274582438.